The following is an entry in ClinVar:

ClinVar aggregate classification (germline): Uncertain significance (1 of 4 stars; one submission).

Submission:

Ambry Genetics
Classification: Uncertain significance. Last evaluated: 2023-12-14. Review status: criteria provided, single submitter. Criteria: Ambry Variant Classification Scheme 2023. Collection method: clinical testing. Allele origin: germline.
Comment: The p.K902N variant (also known as c.2706A>T), located in coding exon 24 of the PRKDC gene, results from an A to T substitution at nucleotide position 2706. The lysine at codon 902 is replaced by asparagine, an amino acid with similar properties. This amino acid position is conserved. In addition, this alteration is predicted to be tolerated by in silico analysis. Since supporting evidence is limited at this time, the clinical significance of this alteration remains unclear.

NM_006904.7(PRKDC):c.2706A>T (p.Lys902Asn)

Gene: PRKDC (protein kinase, DNA-activated, catalytic subunit; minus strand). Cytogenetic location: 8q11.21.
Variant type: single nucleotide variant.
Coding change: c.2706A>T on transcript NM_006904.7 (MANE Select); coding-DNA position 2706, A replaced by T.
Protein change: p.Lys902Asn; replaces lysine 902 with asparagine.
Molecular consequence: missense variant.
Genome position (GRCh38, 1-based): chr8:47,913,976, T>A on the plus strand (A>T on the coding strand, the complement: PRKDC is on the minus strand). VCF-style: chr8-47913976-T-A. GRCh37 (hg19) VCF-style: chr8-48826536-T-A.
Other names: c.2706A>T, p.Lys902Asn (NM_001081640.2); short protein forms K902N.
Identifiers: ClinVar variation 3225807 (VCV003225807.1), dbSNP rs1589788329, ClinGen allele CA371159266.